The following is an entry in ClinVar:

NM_015570.4(AUTS2):c.2T>G (p.Met1Arg)

Gene: AUTS2 (activator of transcription and developmental regulator AUTS2; plus strand). Cytogenetic location: 7q11.22.
Variant type: single nucleotide variant.
Coding change: c.2T>G on transcript NM_015570.4 (MANE Select); coding-DNA position 2, T replaced by G.
Protein change: p.Met1Arg; changes the start codon (methionine 1).
Molecular consequence: missense variant, initiator codon variant.
Genome position (GRCh38, 1-based): chr7:69,599,655, T>G. VCF-style: chr7-69599655-T-G. GRCh37 (hg19) VCF-style: chr7-69064641-T-G.
Other names: c.2T>G, p.Met1Arg (NM_001127231.3, NM_001127232.3); short protein forms M1R.
Identifiers: ClinVar variation 3907753 (VCV003907753.1).

ClinVar aggregate classification (germline): Likely pathogenic (1 of 4 stars; one submission).

Submission:

GeneDx
Classification: Likely pathogenic. Last evaluated: 2024-12-22. Review status: criteria provided, single submitter. Criteria: GeneDx Variant Classification Process June 2021. Collection method: clinical testing. Allele origin: germline. Affected: yes.
Comment: Initiation codon variant in a gene for which loss of function is a known mechanism of disease; Not observed at significant frequency in large population cohorts (gnomAD); Has not been previously published as pathogenic or benign to our knowledge